The following is an entry in ClinVar:

ClinVar aggregate classification (germline): Uncertain significance (1 of 4 stars; one submission).

Conditions:
Developmental and epileptic encephalopathy, 9 (DEE9). Also called: JUBERG-HELLMAN SYNDROME; PCDH19-Related X-Linked Female-Limited Epilepsy with Mental Retardation; Early infantile epileptic encephalopathy 9; EPILEPSY, FEMALE-RESTRICTED, WITH MENTAL RETARDATION. Identifiers: Orphanet 101039, Orphanet 2076, MedGen C1848137, MONDO:0010246, OMIM 300088. Disease mechanism: loss of function.

Submission:

Labcorp Genetics (formerly Invitae), Labcorp
Classification: Uncertain significance for Developmental and epileptic encephalopathy, 9. Last evaluated: 2022-01-14. Review status: criteria provided, single submitter. Criteria: Invitae Variant Classification Sherloc (09022015). Collection method: clinical testing. Allele origin: germline.
Comment: In summary, the available evidence is currently insufficient to determine the role of this variant in disease. Therefore, it has been classified as a Variant of Uncertain Significance. Advanced modeling of protein sequence and biophysical properties (such as structural, functional, and spatial information, amino acid conservation, physicochemical variation, residue mobility, and thermodynamic stability) performed at Invitae indicates that this missense variant is expected to disrupt PCDH19 protein function. ClinVar contains an entry for this variant (Variation ID: 1014134). This variant has not been reported in the literature in individuals affected with PCDH19-related conditions. This variant is not present in population databases (gnomAD no frequency). This sequence change replaces valine, which is neutral and non-polar, with aspartic acid, which is acidic and polar, at codon 551 of the PCDH19 protein (p.Val551Asp).

NM_001184880.2(PCDH19):c.1652T>A (p.Val551Asp)

Gene: PCDH19 (protocadherin 19; minus strand). Cytogenetic location: Xq22.1.
Variant type: single nucleotide variant.
Coding change: c.1652T>A on transcript NM_001184880.2 (MANE Select); coding-DNA position 1652, T replaced by A.
Protein change: p.Val551Asp; replaces valine 551 with aspartic acid.
Molecular consequence: missense variant.
Genome position (GRCh38, 1-based): chrX:100,406,946, A>T on the plus strand (T>A on the coding strand, the complement: PCDH19 is on the minus strand). VCF-style: chrX-100406946-A-T. GRCh37 (hg19) VCF-style: chrX-99661944-A-T.
Other names: c.1652T>A, p.Val551Asp (NM_001105243.2, NM_020766.3); short protein forms V551D.
Identifiers: ClinVar variation 1014134 (VCV001014134.12), dbSNP rs1928373723, ClinGen allele CA414002260.